The following is an entry in ClinVar:

NM_001182.5(ALDH7A1):c.5G>A (p.Trp2Ter)

Gene: ALDH7A1 (aldehyde dehydrogenase 7 family member A1; minus strand). Cytogenetic location: 5q23.2.
Variant type: single nucleotide variant.
Coding change: c.5G>A on transcript NM_001182.5 (MANE Select); coding-DNA position 5, G replaced by A.
Protein change: p.Trp2Ter; replaces tryptophan 2 with a stop codon.
Molecular consequence: nonsense. On other transcripts: 5 prime UTR variant (1).
Genome position (GRCh38, 1-based): chr5:126,595,194, C>T on the plus strand (G>A on the coding strand, the complement: ALDH7A1 is on the minus strand). VCF-style: chr5-126595194-C-T. GRCh37 (hg19) VCF-style: chr5-125930886-C-T.
Other names: c.-80G>A (NM_001201377.2); c.5G>A, p.Trp2Ter (NM_001202404.2); short protein forms W2*.
Identifiers: ClinVar variation 523844 (VCV000523844.2), dbSNP rs1554101995, ClinGen allele CA360734033.

ClinVar aggregate classification (germline): Likely pathogenic (1 of 4 stars; one submission).

gnomAD v4.1: 1 of 1,551,992 alleles (0.000064%); no homozygotes.

Submission:

GeneDx
Classification: Likely pathogenic. Last evaluated: 2018-03-21. Review status: criteria provided, single submitter. Criteria: GeneDx Variant Classification (06012015). Collection method: clinical testing. Allele origin: germline. Affected: yes.
Comment: The W2X variant is not observed in large population cohorts (Lek et al., 2016). This variant is predicted to cause loss of normal protein function either through protein truncation or nonsense-mediated mRNA decay. Although, the W2X variant has not been previously reported to our knowledge, other nonsense variants in the ALDH7A1 gene have been reported in the Human Gene Mutation Database in association with pyridoxine-dependent epilepsy (Stenson et al., 2014).